The following is an entry in ClinVar:

NM_170707.4(LMNA):c.703C>T (p.Arg235Cys)

Gene: LMNA (lamin A/C; plus strand). Cytogenetic location: 1q22.
Variant type: single nucleotide variant.
Coding change: c.703C>T on transcript NM_170707.4 (MANE Select); coding-DNA position 703, C replaced by T.
Protein change: p.Arg235Cys; replaces arginine 235 with cysteine.
Molecular consequence: missense variant.
Genome position (GRCh38, 1-based): chr1:156,134,868, C>T. VCF-style: chr1-156134868-C-T. GRCh37 (hg19) VCF-style: chr1-156104659-C-T.
Other names: c.460C>T, p.Arg154Cys (NM_001282624.2); c.703C>T, p.Arg235Cys (NM_001282625.2, NM_001282626.2, NM_005572.4 and 1 more transcripts); c.367C>T, p.Arg123Cys (NM_001257374.3); c.703C>T (NM_170707.2); short protein forms R123C, R154C, R235C.
Identifiers: ClinVar variation 1389121 (VCV001389121.7), dbSNP rs201227908, ClinGen allele CA054154.

ClinVar aggregate classification (germline): Uncertain significance. Review status: criteria provided, multiple submitters, no conflicts (2 of 4 stars). 4 submissions from 4 submitters: Uncertain significance (4). Last evaluated 2025-07-23.

Conditions:
Cardiovascular phenotype. Identifiers: MedGen CN230736.
Primary dilated cardiomyopathy (DCM). Also called: Dilated Cardiomyopathy. Identifiers: Orphanet 217604, MedGen C0007193, MeSH D002311, MONDO:0005021, HP:0001644. Inheritance: Various modes of inheritance.
Charcot-Marie-Tooth disease type 2. Also called: Charcot-Marie-Tooth type 2. Identifiers: Orphanet 64746, MedGen C0270914, MONDO:0018993.
Cardiomyopathy (CMYO). Also called: Cardiomyopathies. Identifiers: Orphanet 167848, MedGen C0878544, MONDO:0004994, HP:0001638. Inheritance: Various modes of inheritance.

Allele frequency attached by ClinVar (database versions not stated): gnomAD 0.00001; 1000 Genomes Project 30x 0.00016; 1000 Genomes Project 0.00020.
gnomAD v4.1: 5 of 1,614,196 alleles (0.00031%); highest among the groups gnomAD compares: South Asian, 0.0022%; no homozygotes.

Submissions (4):

Ambry Genetics
Classification: Uncertain significance for Cardiovascular phenotype. Last evaluated: 2025-07-23. Review status: criteria provided, single submitter. Criteria: Ambry Variant Classification Scheme 2023. Collection method: clinical testing. Allele origin: germline.
Comment: The p.R235C variant (also known as c.703C>T), located in coding exon 4 of the LMNA gene, results from a C to T substitution at nucleotide position 703. The arginine at codon 235 is replaced by cysteine, an amino acid with highly dissimilar properties. This amino acid position is not well conserved in available vertebrate species. In addition, the in silico prediction for this alteration is inconclusive. Based on the available evidence, the clinical significance of this variant remains unclear.

Color Diagnostics, LLC DBA Color Health
Classification: Uncertain significance for Cardiomyopathy. Last evaluated: 2025-06-30. Review status: criteria provided, single submitter. Criteria: ACMG Guidelines, 2015. Collection method: clinical testing. Allele origin: germline.
Comment: This missense variant replaces arginine with cysteine at codon 235 of the LMNA protein. Computational prediction is inconclusive regarding the impact of this variant on protein structure and function. To our knowledge, functional studies have not been reported for this variant. This variant has been reported in an individual affected with chronic kidney disease (PMID: 31383942). This variant has been identified in 2/251460 chromosomes in the general population by the Genome Aggregation Database (gnomAD). The available evidence is insufficient to determine the role of this variant in disease conclusively. Therefore, this variant is classified as a Variant of Uncertain Significance.

Labcorp Genetics (formerly Invitae), Labcorp
Classification: Uncertain significance for Charcot-Marie-Tooth disease type 2. Last evaluated: 2024-09-11. Review status: criteria provided, single submitter. Criteria: Invitae Variant Classification Sherloc (09022015). Collection method: clinical testing. Allele origin: germline.
Comment: This sequence change replaces arginine, which is basic and polar, with cysteine, which is neutral and slightly polar, at codon 235 of the LMNA protein (p.Arg235Cys). This variant is present in population databases (rs201227908, gnomAD 0.003%). This variant has not been reported in the literature in individuals affected with LMNA-related conditions. ClinVar contains an entry for this variant (Variation ID: 1389121). Invitae Evidence Modeling of protein sequence and biophysical properties (such as structural, functional, and spatial information, amino acid conservation, physicochemical variation, residue mobility, and thermodynamic stability) indicates that this missense variant is expected to disrupt LMNA protein function with a positive predictive value of 95%. In summary, the available evidence is currently insufficient to determine the role of this variant in disease. Therefore, it has been classified as a Variant of Uncertain Significance.

All of Us Research Program, National Institutes of Health
Classification: Uncertain significance for Primary dilated cardiomyopathy. Last evaluated: 2023-06-28. Review status: criteria provided, single submitter. Criteria: ACMG Guidelines, 2015. Collection method: clinical testing. Allele origin: germline. Inheritance: Autosomal dominant inheritance. Observed: 2 variant alleles, 2 heterozygotes.
Comment: This missense variant replaces arginine with cysteine at codon 235 of the LMNA protein. Computational prediction is inconclusive regarding the impact of this variant on protein structure and function (internally defined REVEL score threshold 0.5 < inconclusive < 0.7, PMID: 27666373). To our knowledge, functional studies have not been reported for this variant. This variant has been reported in an individual affected with chronic kidney disease (PMID: 31383942). This variant has been identified in 2/251460 chromosomes in the general population by the Genome Aggregation Database (gnomAD). The available evidence is insufficient to determine the role of this variant in disease conclusively. Therefore, this variant is classified as a Variant of Uncertain Significance.

This study involves interpretation of variants in research participants for the purpose of population health screening. Participant phenotype was not available at the time of variant classification. Additional details can be found in publication PMID: 35346344, PMCID: PMC8962531

Literature cited by the submitters: PubMed 31383942 (cited by Color Diagnostics, LLC DBA Color Health and All of Us Research Program, National Institutes of Health).